The following is an entry in ClinVar:

ClinVar aggregate classification (germline): Pathogenic (1 of 4 stars; one submission).

Conditions:
Hereditary cancer-predisposing syndrome. Also called: Tumor predisposition; Neoplastic Syndromes, Hereditary; Hereditary Cancer Syndrome; Hereditary neoplastic syndrome. Identifiers: Orphanet 140162, MedGen C0027672, MeSH D009386, MONDO:0015356.

Submission:

Ambry Genetics
Classification: Pathogenic for Hereditary cancer-predisposing syndrome. Last evaluated: 2019-02-26. Review status: criteria provided, single submitter. Criteria: Ambry Variant Classification Scheme 2023. Collection method: clinical testing. Allele origin: germline.
Comment: The p.E2457* pathogenic mutation (also known as c.7369G>T), located in coding exon 49 of the ATM gene, results from a G to T substitution at nucleotide position 7369. This changes the amino acid from a glutamic acid to a stop codon within coding exon 49. This alteration is expected to result in loss of function by premature protein truncation or nonsense-mediated mRNA decay. As such, this alteration is interpreted as a disease-causing mutation.

NM_000051.4(ATM):c.7369G>T (p.Glu2457Ter)

Genes: ATM (ATM serine/threonine kinase; plus strand), C11orf65 (chromosome 11 open reading frame 65; minus strand). Cytogenetic location: 11q22.3.
Variant type: single nucleotide variant.
Coding change: c.7369G>T on transcript NM_000051.4 (MANE Select); coding-DNA position 7369, G replaced by T.
Protein change: p.Glu2457Ter; replaces glutamic acid 2457 with a stop codon.
Molecular consequence: nonsense. On other transcripts: intron variant (2).
Genome position (GRCh38, 1-based): chr11:108,330,275, G>T. VCF-style: chr11-108330275-G-T. GRCh37 (hg19) VCF-style: chr11-108201002-G-T.
Other names: c.7369G>T, p.Glu2457Ter (NM_001351834.2); c.641-21204C>A (NM_001330368.2); c.*38+4945C>A (NM_001351110.2); short protein forms E2457*.
Identifiers: ClinVar variation 826990 (VCV000826990.6), dbSNP rs1591160295, ClinGen allele CA382559984.
Genomic context (GRCh38, chr11:108,330,275, plus strand): 5'-TACACAGTAAAGGTTCAGCGAGAGCTGGAGTTGGATGAATTAGCCCTGCGTGCACTGAAA[G>T]AGGATCGTAAACGCTTCTTATGTAAAGCAGTTGAAAATTATATCAACTGCTTATTAAGTG-3'